The following is an entry in ClinVar:

ClinVar aggregate classification (germline): Uncertain significance (1 of 4 stars; one submission).

Conditions:
FHOD3-related disorder. Also called: FHOD3-related condition.

gnomAD v4.1: 82 of 1,613,960 alleles (0.0051%); highest among the groups gnomAD compares: Non-Finnish European, 0.0064%; no homozygotes.

Submission:

PreventionGenetics, part of Exact Sciences
Classification: Uncertain significance for FHOD3-related condition. Last evaluated: 2026-07-08. Review status: criteria provided, single submitter. Criteria: ACMG Guidelines, 2015. Collection method: clinical testing. Allele origin: germline.
Comment: The FHOD3 c.4769G>A variant is predicted to result in the amino acid substitution p.Arg1590Gln. To our knowledge, this variant has not been reported in the literature. This variant is reported in 0.0058% of alleles in individuals of Latino descent in gnomAD. At this time, the clinical significance of this variant is uncertain due to the absence of conclusive functional and genetic evidence.

NM_001281740.3(FHOD3):c.4769G>A (p.Arg1590Gln)

Gene: FHOD3 (formin homology 2 domain containing 3; plus strand). Cytogenetic location: 18q12.2.
Variant type: single nucleotide variant.
Coding change: c.4769G>A on transcript NM_001281740.3 (MANE Select); coding-DNA position 4769, G replaced by A.
Protein change: p.Arg1590Gln; replaces arginine 1590 with glutamine.
Molecular consequence: missense variant.
Genome position (GRCh38, 1-based): chr18:36,769,409, G>A. VCF-style: chr18-36769409-G-A. GRCh37 (hg19) VCF-style: chr18-34349372-G-A.
Other names: c.4169G>A, p.Arg1390Gln (NM_001281739.3); c.4220G>A, p.Arg1407Gln (NM_025135.5); short protein forms R1390Q, R1407Q, R1590Q.
Identifiers: ClinVar variation 4988694 (VCV004988694.1).